The following is an entry in ClinVar:

NM_001211.6(BUB1B):c.590A>G (p.Gln197Arg)

Gene: BUB1B (BUB1 mitotic checkpoint serine/threonine kinase B; plus strand). Cytogenetic location: 15q15.1.
Variant type: single nucleotide variant.
Coding change: c.590A>G on transcript NM_001211.6 (MANE Select); coding-DNA position 590, A replaced by G.
Protein change: p.Gln197Arg; replaces glutamine 197 with arginine.
Molecular consequence: missense variant.
Genome position (GRCh38, 1-based): chr15:40,183,722, A>G. VCF-style: chr15-40183722-A-G. GRCh37 (hg19) VCF-style: chr15-40475923-A-G.
Other names: short protein forms Q197R.
Identifiers: ClinVar variation 1750435 (VCV001750435.3), dbSNP rs2542533253, ClinGen allele CA391683043.
Genomic context (GRCh38, chr15:40,183,722, plus strand): 5'-TCTGGTAAAATAGTGGTCACCTCACTAAAAGTTGTGCATTCTGCTACTTTAGACAATTCC[A>G]AGCTCGAGTGTCTCGGCAAACTCTGTTGGCACTTGAGAAAGAAGAAGAGGAGGAAGTTTT-3'
Protein context (NP_001202.5, residues 187-207): ERLQSQHRQF[Gln197Arg]ARVSRQTLLA

ClinVar aggregate classification (germline): Uncertain significance (1 of 4 stars; one submission).

Conditions:
Inborn genetic diseases. Identifiers: MedGen C0950123, MeSH D030342.

Submission:

Ambry Genetics
Classification: Uncertain significance for Inborn genetic diseases. Last evaluated: 2025-10-27. Review status: criteria provided, single submitter. Criteria: Ambry Variant Classification Scheme 2023. Collection method: clinical testing. Allele origin: germline.
Comment: The p.Q197R variant (also known as c.590A>G), located in coding exon 6 of the BUB1B gene, results from an A to G substitution at nucleotide position 590. The glutamine at codon 197 is replaced by arginine, an amino acid with highly similar properties. This amino acid position is conserved. In addition, the in silico prediction for this alteration is inconclusive. Since supporting evidence is limited at this time, the clinical significance of this alteration remains unclear.